The following is an entry in ClinVar:

NM_006593.4(TBR1):c.848-4C>G

Gene: TBR1 (T-box brain transcription factor 1; plus strand). Cytogenetic location: 2q24.2.
Variant type: single nucleotide variant.
Coding change: c.848-4C>G on transcript NM_006593.4 (MANE Select); 4 bases into the intron before coding-DNA position 848, C replaced by G.
Molecular consequence: intron variant.
Genome position (GRCh38, 1-based): chr2:161,418,197, C>G. VCF-style: chr2-161418197-C-G. GRCh37 (hg19) VCF-style: chr2-162274708-C-G.
Identifiers: ClinVar variation 515536 (VCV000515536.1), dbSNP rs1553510370, ClinGen allele CA658795897.

ClinVar aggregate classification (germline): Likely benign (1 of 4 stars; one submission).

Submission:

GeneDx
Classification: Likely benign. Last evaluated: 2018-03-02. Review status: criteria provided, single submitter. Criteria: GeneDx Variant Classification (06012015). Collection method: clinical testing. Allele origin: germline. Affected: yes.
Comment: This variant is considered likely benign or benign based on one or more of the following criteria: it is a conservative change, it occurs at a poorly conserved position in the protein, it is predicted to be benign by multiple in silico algorithms, and/or has population frequency not consistent with disease.